The following is an entry in ClinVar:

NM_001374623.1(PNPLA1):c.1464T>A (p.Tyr488Ter)

Gene: PNPLA1 (patatin like domain 1, omega-hydroxyceramide transacylase; plus strand). Cytogenetic location: 6p21.31.
Variant type: single nucleotide variant.
Coding change: c.1464T>A on transcript NM_001374623.1 (MANE Select); coding-DNA position 1464, T replaced by A.
Protein change: p.Tyr488Ter; replaces tyrosine 488 with a stop codon.
Molecular consequence: nonsense.
Genome position (GRCh38, 1-based): chr6:36,306,371, T>A. VCF-style: chr6-36306371-T-A. GRCh37 (hg19) VCF-style: chr6-36274148-T-A.
Other names: c.1464T>A, p.Tyr488Ter (NM_001145717.1); c.1206T>A, p.Tyr402Ter (NM_001145716.2); c.1179T>A, p.Tyr393Ter (NM_173676.2); short protein forms Y393*, Y488*, Y402*.
Identifiers: ClinVar variation 403331 (VCV000403331.52), dbSNP rs45621032, ClinGen allele CA3778030.

ClinVar aggregate classification (germline): Benign/Likely benign. Review status: criteria provided, multiple submitters, no conflicts (2 of 4 stars). 7 submissions from 7 submitters: Benign (5); Likely benign (2). Last evaluated 2026-07-01.

Conditions:
Autosomal recessive congenital ichthyosis 10 (ARCI10). Identifiers: Orphanet 79394, MedGen C3554355, MONDO:0014011, OMIM 615024.

Allele frequency attached by ClinVar (database versions not stated): 1000 Genomes Project 0.00699; 1000 Genomes Project 30x 0.00796; ESP Exome Variant Server 0.01053; gnomAD 0.01112 and 0.01134; TOPMed 0.01234.
gnomAD v4.1: 24,892 of 1,610,946 alleles (1.5%); highest among the groups gnomAD compares: Non-Finnish European, 1.9%; 243 homozygotes.

Submissions (7):

CeGaT Center for Human Genetics Tuebingen
Classification: Benign. Last evaluated: 2026-07-01. Review status: criteria provided, single submitter. Criteria: CeGaT Center For Human Genetics Tuebingen Variant Classification Criteria Version 2. Collection method: clinical testing. Allele origin: germline. Affected: yes. Observed: 5 variant alleles.
Comment: PNPLA1: BS1, BS2

Labcorp Genetics (formerly Invitae), Labcorp
Classification: Benign. Last evaluated: 2026-02-04. Review status: criteria provided, single submitter. Criteria: Invitae Variant Classification Sherloc (09022015). Collection method: clinical testing. Allele origin: germline.

Women's Health and Genetics/Laboratory Corporation of America, LabCorp
Classification: Benign. Last evaluated: 2022-02-18. Review status: criteria provided, single submitter. Criteria: LabCorp Variant Classification Summary - May 2015. Collection method: clinical testing. Allele origin: germline.
Comment: Variant summary: PNPLA1 c.1464T>A (p.Tyr488X) results in a premature termination codon at the end of the penultimate exon (exon 7), predicted to cause a truncation of the encoded protein or absence of the protein due to nonsense mediated decay, which are commonly known mechanisms for disease. To our knowledge, no truncations or pathogenic variants downstream of this position have been cited in online databases (ClinVar, HGMD, LOVD). The variant allele was found at a frequency of 0.012 in 247820 control chromosomes in the gnomAD database, including 33 homozygotes. The observed variant frequency is approximately 27-fold of the estimated maximal expected allele frequency for a pathogenic variant in PNPLA1 causing Lamellar Ichthyosis phenotype (0.00043), strongly suggesting that the variant is benign. c.1464T>A has been reported in the literature in a homozygous individual affected with autism spectrum disorder (Lim_2013) and it was also reported in the heterozygous state in families affected with ichthyosis but it was concluded not to be causative of the disease (Vahidnezhad_2017). In addition, the variant has been reported in the literature in multiple homozygous unaffected individuals (Lim_2013, Abouelhoda_2016, John_2018). To our knowledge, no experimental evidence demonstrating an impact on protein function has been reported. Three ClinVar submitters (evaluation after 2014) cite the variant as benign/likely benign. Based on the evidence outlined above, the variant was classified as benign.

Illumina Laboratory Services, Illumina
Classification: Benign for Autosomal recessive congenital ichthyosis 10. Last evaluated: 2018-02-13. Review status: criteria provided, single submitter. Criteria: ICSL Variant Classification Criteria 13 December 2019. Collection method: clinical testing. Allele origin: germline.
Comment: This variant was observed as part of a predisposition screen in an ostensibly healthy population. A literature search was performed for the gene, cDNA change, and amino acid change (where applicable). Publications were found based on this search. The evidence from the literature, in combination with allele frequency data from public databases where available, was sufficient to rule this variant out of causing disease. Therefore, this variant is classified as benign.

Eurofins Ntd Llc (ga)
Classification: Benign. Last evaluated: 2017-04-14. Review status: criteria provided, single submitter. Criteria: EGL Classification Definitions 2015. Collection method: clinical testing. Allele origin: germline. Observed: 4 variant alleles, 4 heterozygotes.

Laboratory for Molecular Medicine, Mass General Brigham Personalized Medicine
Classification: Likely benign. Last evaluated: 2016-03-28. Review status: criteria provided, single submitter. Criteria: LMM Criteria. Collection method: clinical testing. Allele origin: germline.
Comment: Variant identified in a genome or exome case(s) and assessed due to predicted null impact of the variant or pathogenic assertions in the literature or databases. Disclaimer: This variant has not undergone full assessment. The following are preliminary notes: Frequency in ESP (EUR): 127/8600= 1.47%

Breakthrough Genomics
Classification: Likely benign. Review status: criteria provided, single submitter. Criteria: ACMG Guidelines, 2015. Collection method: not provided. Allele origin: germline. Inheritance: Autosomal recessive inheritance. Affected: yes.

Literature cited by the submitters: PubMed 23352160 (cited by Women's Health and Genetics/Laboratory Corporation of America, LabCorp and Illumina Laboratory Services, Illumina); PubMed 27884173 (cited by Women's Health and Genetics/Laboratory Corporation of America, LabCorp and Illumina Laboratory Services, Illumina); PubMed 30409984 (cited by Women's Health and Genetics/Laboratory Corporation of America, LabCorp); PubMed 33727708 (cited by Women's Health and Genetics/Laboratory Corporation of America, LabCorp); PubMed 27884779 (cited by Women's Health and Genetics/Laboratory Corporation of America, LabCorp); PubMed 26424960 (cited by Illumina Laboratory Services, Illumina).